The following is an entry in ClinVar:

ClinVar aggregate classification (germline): Uncertain significance. Review status: criteria provided, multiple submitters, no conflicts (2 of 4 stars). 2 submissions from 2 submitters: Uncertain significance (2). Last evaluated 2024-03-24.

Conditions:
RYR1-related disorder. Also called: RYR1-related disorders; RYR1-related condition. Identifiers: MedGen CN239331.
Malignant hyperthermia, susceptibility to, 1 (MHS1). Also called: Anesthesia related hyperthermia; Malignant hyperpyrexia; Fulminating hyperpyrexia; Pharmacogenic myopathy; RYR1-Related Malignant Hyperthermia Susceptibility; Malignant hyperthermia suceptibility 1. Identifiers: Orphanet 423, MedGen C2930980, MONDO:0007783, OMIM 145600.

Submissions (2):

All of Us Research Program, National Institutes of Health
Classification: Uncertain significance for Malignant hyperthermia, susceptibility to, 1. Last evaluated: 2024-03-24. Review status: criteria provided, single submitter. Criteria: ACMG Guidelines, 2015. Collection method: clinical testing. Allele origin: germline. Inheritance: Autosomal dominant inheritance. Observed: 4 variant alleles, 4 heterozygotes.
Comment: This variant causes an in-frame deletion of 10 amino acids in the RYR1 protein. To our knowledge, functional studies have not been reported for this variant. This variant has not been reported in individuals affected with RYR1-related disorders in the literature. This variant has been identified in 1/31374 chromosomes in the general population by the Genome Aggregation Database (gnomAD). The available evidence is insufficient to determine the role of this variant in disease conclusively. Therefore, this variant is classified as a Variant of Uncertain Significance.

This study involves interpretation of variants in research participants for the purpose of population health screening. Participant phenotype was not available at the time of variant classification. Additional details can be found in publication PMID: 35346344, PMCID: PMC8962531

Labcorp Genetics (formerly Invitae), Labcorp
Classification: Uncertain significance for RYR1-related disorder. Last evaluated: 2021-12-31. Review status: criteria provided, single submitter. Criteria: Invitae Variant Classification Sherloc (09022015). Collection method: clinical testing. Allele origin: germline.
Comment: This variant, c.5691_5720del, results in the deletion of 10 amino acid(s) of the RYR1 protein (p.Glu1898_Glu1907del), but otherwise preserves the integrity of the reading frame. In summary, the available evidence is currently insufficient to determine the role of this variant in disease. Therefore, it has been classified as a Variant of Uncertain Significance. Experimental studies and prediction algorithms are not available or were not evaluated, and the functional significance of this variant is currently unknown. This variant has not been reported in the literature in individuals affected with RYR1-related conditions. The frequency data for this variant in the population databases is considered unreliable, as metrics indicate poor data quality at this position in the gnomAD database.

NM_000540.3(RYR1):c.5691_5720del (p.Glu1898_Glu1907del)

Gene: RYR1 (ryanodine receptor 1; plus strand). Cytogenetic location: 19q13.2.
Variant type: Deletion.
Coding change: c.5691_5720del on transcript NM_000540.3 (MANE Select); coding-DNA positions 5691 to 5720, 30 bases deleted (GGAAACAGCACAGGAAAAGGAAGATGAGGA).
Protein change: p.Glu1898_Glu1907del.
Molecular consequence: inframe deletion.
Genome position (GRCh38, 1-based): chr19:38,489,320-38,489,349, GGAAACAGCACAGGAAAAGGAAGATGAGGA deleted; deleting any 30 consecutive bases within chr19:38,489,312-38,489,349 gives the same sequence; the c. name uses the placement nearest the transcript's 3' end. VCF-style (leftmost placement, unchanged base first): chr19-38489311-GGATGAGGAGGAAACAGCACAGGAAAAGGAA-G. GRCh37 (hg19) VCF-style: chr19-38979951-GGATGAGGAGGAAACAGCACAGGAAAAGGAA-G.
Other names: c.5691_5720del, p.Glu1898_Glu1907del (NM_001042723.2).
Identifiers: ClinVar variation 2148693 (VCV002148693.6), dbSNP rs1229062996, ClinGen allele CA633066106.